The following is an entry in ClinVar:

NM_003072.5(SMARCA4):c.1729G>T (p.Ala577Ser)

Gene: SMARCA4 (SWI/SNF related BAF chromatin remodeling complex subunit ATPase 4; plus strand). Cytogenetic location: 19p13.2.
Variant type: single nucleotide variant.
Coding change: c.1729G>T on transcript NM_003072.5 (MANE Select); coding-DNA position 1729, G replaced by T.
Protein change: p.Ala577Ser; replaces alanine 577 with serine.
Molecular consequence: missense variant. On other transcripts: non-coding transcript variant (1).
Genome position (GRCh38, 1-based): chr19:10,996,348, G>T. VCF-style: chr19-10996348-G-T. GRCh37 (hg19) VCF-style: chr19-11107024-G-T.
Other names: c.1729G>T, p.Ala577Ser (NM_001128844.3, NM_001128845.2, NM_001128846.2 and 4 more transcripts); short protein forms A577S.
Identifiers: ClinVar variation 952290 (VCV000952290.10), dbSNP rs1369374541, ClinGen allele CA404064524.

ClinVar aggregate classification (germline): Uncertain significance. Review status: criteria provided, multiple submitters, no conflicts (2 of 4 stars). 2 submissions from 2 submitters: Uncertain significance (2). Last evaluated 2024-02-26.

Conditions:
Rhabdoid tumor predisposition syndrome 2 (RTPS2). Identifiers: Orphanet 231108, Orphanet 69077, MedGen C2750074, MONDO:0013224, OMIM 613325.
Hereditary cancer-predisposing syndrome. Also called: Tumor predisposition; Hereditary neoplastic syndrome; Neoplastic Syndromes, Hereditary; Hereditary Cancer Syndrome. Identifiers: Orphanet 140162, MedGen C0027672, MeSH D009386, MONDO:0015356.

Submissions (2):

Ambry Genetics
Classification: Uncertain significance for Hereditary cancer-predisposing syndrome. Last evaluated: 2024-02-26. Review status: criteria provided, single submitter. Criteria: Ambry Variant Classification Scheme 2023. Collection method: clinical testing. Allele origin: germline.
Comment: The p.A577S variant (also known as c.1729G>T), located in coding exon 9 of the SMARCA4 gene, results from a G to T substitution at nucleotide position 1729. The alanine at codon 577 is replaced by serine, an amino acid with similar properties. This amino acid position is not well conserved in available vertebrate species. In addition, this alteration is predicted to be tolerated by in silico analysis. Based on the supporting evidence, the association of this alteration with Coffin-Siris syndrome is unknown; however, the association of this alteration with rhabdoid tumor predisposition syndrome is unlikely.

Labcorp Genetics (formerly Invitae), Labcorp
Classification: Uncertain significance for Rhabdoid tumor predisposition syndrome 2. Last evaluated: 2023-02-19. Review status: criteria provided, single submitter. Criteria: Invitae Variant Classification Sherloc (09022015). Collection method: clinical testing. Allele origin: germline.
Comment: In summary, the available evidence is currently insufficient to determine the role of this variant in disease. Therefore, it has been classified as a Variant of Uncertain Significance. Advanced modeling of protein sequence and biophysical properties (such as structural, functional, and spatial information, amino acid conservation, physicochemical variation, residue mobility, and thermodynamic stability) performed at Invitae indicates that this missense variant is not expected to disrupt SMARCA4 protein function. ClinVar contains an entry for this variant (Variation ID: 952290). This variant has not been reported in the literature in individuals affected with SMARCA4-related conditions. This variant is not present in population databases (gnomAD no frequency). This sequence change replaces alanine, which is neutral and non-polar, with serine, which is neutral and polar, at codon 577 of the SMARCA4 protein (p.Ala577Ser).